The following is an entry in ClinVar:

NM_001875.5(CPS1):c.3374C>T (p.Pro1125Leu)

Gene: CPS1 (carbamoyl-phosphate synthase 1; plus strand). Cytogenetic location: 2q34.
Variant type: single nucleotide variant.
Coding change: c.3374C>T on transcript NM_001875.5 (MANE Select); coding-DNA position 3374, C replaced by T.
Protein change: p.Pro1125Leu; replaces proline 1125 with leucine.
Molecular consequence: missense variant. On other transcripts: non-coding transcript variant (2).
Genome position (GRCh38, 1-based): chr2:210,648,510, C>T. VCF-style: chr2-210648510-C-T. GRCh37 (hg19) VCF-style: chr2-211513234-C-T.
Other names: c.3374C>T, p.Pro1125Leu (NM_001122633.3, NM_001369257.1); c.3407C>T, p.Pro1136Leu (NM_001369256.1); short protein forms P1125L, P1136L.
Identifiers: ClinVar variation 3065564 (VCV003065564.2), dbSNP rs1700455336, ClinGen allele CA350436587.

ClinVar aggregate classification (germline): Conflicting classifications of pathogenicity. Review status: criteria provided, conflicting classifications (1 of 4 stars). 2 submissions from 2 submitters: Likely pathogenic (1); Uncertain significance (1). Last evaluated 2026-05-11.

Conditions:
Congenital hyperammonemia, type I. Also called: Carbamoyl-phosphate synthase I deficiency; CPS I DEFICIENCY; Carbamoyl phosphate synthetase 1 deficiency; Hyperammonemia due to carbamoyl phosphate synthetase 1 deficiency; CPS 1 deficiency; Carbamyl phosphate synthetase (CPS) deficiency. Identifiers: Orphanet 147, MedGen C4082171, MONDO:0009376, OMIM 237300.

Submissions (2):

Myriad Genetics, Inc.
Classification: Uncertain significance for Congenital hyperammonemia, type I. Last evaluated: 2026-05-11. Review status: criteria provided, single submitter. Criteria: Myriad Autosomal Dominant, Autosomal Recessive and X-Linked Classification Criteria (2023). Collection method: clinical testing. Allele origin: unknown.
Comment: NM_001875.4(CPS1):c.3374C>T(P1125L) is a missense variant classified as a variant of uncertain significance in the context of carbamoylphosphate synthetase I deficiency. P1125L has not been observed in cases with relevant disease. Relevant functional assessments of this variant are not available in the literature. P1125L has not been observed in referenced population frequency databases. In summary, there is insufficient evidence to classify NM_001875.4(CPS1):c.3374C>T(P1125L) as pathogenic or benign. Please note: this variant was assessed in the context of healthy population screening.

Genomic Medicine Center of Excellence, King Faisal Specialist Hospital and Research Centre
Classification: Likely pathogenic for Congenital hyperammonemia, type I. Last evaluated: 2024-03-29. Review status: criteria provided, single submitter. Criteria: ACMG Guidelines, 2015. Collection method: clinical testing. Allele origin: germline.